The following is an entry in ClinVar:

ClinVar aggregate classification (germline): Uncertain significance. Review status: criteria provided, multiple submitters, no conflicts (2 of 4 stars). 2 submissions from 2 submitters: Uncertain significance (2). Last evaluated 2022-12-19.

Conditions:
Inborn genetic diseases. Identifiers: MedGen C0950123, MeSH D030342.

Allele frequency attached by ClinVar (database versions not stated): TOPMed below 0.00001; ExAC 0.00001; gnomAD exomes 0.00003.
gnomAD v4.1: 39 of 1,614,210 alleles (0.0024%); highest among the groups gnomAD compares: Non-Finnish European, 0.0031%; no homozygotes.

Submissions (2):

Ambry Genetics
Classification: Uncertain significance for Inborn genetic diseases. Last evaluated: 2022-12-19. Review status: criteria provided, single submitter. Criteria: Ambry Variant Classification Scheme 2023. Collection method: clinical testing. Allele origin: germline.

Labcorp Genetics (formerly Invitae), Labcorp
Classification: Uncertain significance. Last evaluated: 2022-11-01. Review status: criteria provided, single submitter. Criteria: Invitae Variant Classification Sherloc (09022015). Collection method: clinical testing. Allele origin: germline.
Comment: In summary, the available evidence is currently insufficient to determine the role of this variant in disease. Therefore, it has been classified as a Variant of Uncertain Significance. Advanced modeling of protein sequence and biophysical properties (such as structural, functional, and spatial information, amino acid conservation, physicochemical variation, residue mobility, and thermodynamic stability) performed at Invitae indicates that this missense variant is not expected to disrupt CUL7 protein function. This variant has not been reported in the literature in individuals affected with CUL7-related conditions. This variant is present in population databases (rs769499040, gnomAD 0.003%). This sequence change replaces arginine, which is basic and polar, with cysteine, which is neutral and slightly polar, at codon 1316 of the CUL7 protein (p.Arg1316Cys).

NM_014780.5(CUL7):c.3946C>T (p.Arg1316Cys)

Gene: CUL7 (cullin 7; minus strand). Cytogenetic location: 6p21.1.
Variant type: single nucleotide variant.
Coding change: c.3946C>T on transcript NM_014780.5 (MANE Select); coding-DNA position 3946, C replaced by T.
Protein change: p.Arg1316Cys; replaces arginine 1316 with cysteine.
Molecular consequence: missense variant.
Genome position (GRCh38, 1-based): chr6:43,040,607, G>A on the plus strand (C>T on the coding strand, the complement: CUL7 is on the minus strand). VCF-style: chr6-43040607-G-A. GRCh37 (hg19) VCF-style: chr6-43008345-G-A.
Other names: c.4042C>T, p.Arg1348Cys (NM_001168370.2, NM_001374872.1); c.3946C>T, p.Arg1316Cys (NM_001374873.1); c.3943C>T, p.Arg1315Cys (NM_001374874.1); short protein forms R1316C, R1315C, R1348C.
Identifiers: ClinVar variation 2080237 (VCV002080237.5), dbSNP rs769499040, ClinGen allele CA3813349.
Genomic context (GRCh38, chr6:43,040,607, plus strand): 5'-TATCCTCCAGCTTCAGGAGTTCCTGATCCAGCTGCTGGAGCTGGTAGACGTGGAACTGGC[G>A]CTGCAGCTCCTTAGAGGTGCTCAGGCTCTGCAACATCTGCTGGGGGAGGCGGTTGGGGAA-3'
Protein context (NP_055595.2, residues 1306-1326): QSLSTSKELQ[Arg1316Cys]QFHVYQLQQL